The following is an entry in ClinVar:

ClinVar aggregate classification (germline): Uncertain significance (1 of 4 stars; one submission).

gnomAD v4.1: 7 of 1,550,760 alleles (0.00045%); highest among the groups gnomAD compares: Admixed American, 0.0019%; no homozygotes.

Submission:

Labcorp Genetics (formerly Invitae), Labcorp
Classification: Uncertain significance. Last evaluated: 2023-04-09. Review status: criteria provided, single submitter. Criteria: Invitae Variant Classification Sherloc (09022015). Collection method: clinical testing. Allele origin: germline.
Comment: This sequence change replaces arginine, which is basic and polar, with glycine, which is neutral and non-polar, at codon 246 of the COL9A3 protein (p.Arg246Gly). In summary, the available evidence is currently insufficient to determine the role of this variant in disease. Therefore, it has been classified as a Variant of Uncertain Significance. Experimental studies and prediction algorithms are not available or were not evaluated, and the functional significance of this variant is currently unknown. This variant has not been reported in the literature in individuals affected with COL9A3-related conditions. This variant is present in population databases (rs377520445, gnomAD 0.004%).

NM_001853.4(COL9A3):c.736C>G (p.Arg246Gly)

Gene: COL9A3 (collagen type IX alpha 3 chain; plus strand). Cytogenetic location: 20q13.33.
Variant type: single nucleotide variant.
Coding change: c.736C>G on transcript NM_001853.4 (MANE Select); coding-DNA position 736, C replaced by G.
Protein change: p.Arg246Gly; replaces arginine 246 with glycine.
Molecular consequence: missense variant.
Genome position (GRCh38, 1-based): chr20:62,826,255, C>G. VCF-style: chr20-62826255-C-G. GRCh37 (hg19) VCF-style: chr20-61457607-C-G.
Other names: short protein forms R246G.
Identifiers: ClinVar variation 3021919 (VCV003021919.3), dbSNP rs377520445, ClinGen allele CA9949461.